The following is an entry in ClinVar:

NM_000238.4(KCNH2):c.2731G>C (p.Gly911Arg)

Gene: KCNH2 (potassium voltage-gated channel subfamily H member 2; minus strand). Cytogenetic location: 7q36.1.
Variant type: single nucleotide variant.
Coding change: c.2731G>C on transcript NM_000238.4 (MANE Select); coding-DNA position 2731, G replaced by C.
Protein change: p.Gly911Arg; replaces glycine 911 with arginine.
Molecular consequence: missense variant.
Genome position (GRCh38, 1-based): chr7:150,947,840, C>G on the plus strand (G>C on the coding strand, the complement: KCNH2 is on the minus strand). VCF-style: chr7-150947840-C-G. GRCh37 (hg19) VCF-style: chr7-150644928-C-G.
Other names: c.1711G>C, p.Gly571Arg (NM_172057.3); short protein forms G571R, G911R.
Identifiers: ClinVar variation 918838 (VCV000918838.7), dbSNP rs1800973294, ClinGen allele CA369853499.

ClinVar aggregate classification (germline): Uncertain significance (1 of 4 stars; one submission).

Conditions:
Cardiac arrhythmia. Also called: Cardiac rhythm disease; Arrhythmia. Identifiers: MedGen C0003811, MONDO:0007263, HP:0011675.

Submission:

Color Diagnostics, LLC DBA Color Health
Classification: Uncertain significance for Cardiac arrhythmia. Last evaluated: 2023-12-05. Review status: criteria provided, single submitter. Criteria: ACMG Guidelines, 2015. Collection method: clinical testing. Allele origin: germline.
Comment: Variant of Uncertain Significance due to insufficient evidence: This missense variant replaces glycine with arginine at codon 911 of the KCNH2 protein. Computational prediction tools and conservation analyses are inconclusive regarding the impact of this variant on the protein function. Computational splicing tools suggest that this variant may not impact RNA splicing. To our knowledge, functional assays have not been performed for this variant nor has this variant been reported in individuals affected with cardiovascular disorders in the literature. This variant has not been identified in the general population by the Genome Aggregation Database (gnomAD). Available evidence is insufficient to determine the role of this variant in disease conclusively.